The following is an entry in ClinVar:

NM_031206.7(LAS1L):c.1316G>A (p.Arg439Gln)

Gene: LAS1L (LAS1 like ribosome biogenesis factor; minus strand). Cytogenetic location: Xq12.
Variant type: single nucleotide variant.
Coding change: c.1316G>A on transcript NM_031206.7 (MANE Select); coding-DNA position 1316, G replaced by A.
Protein change: p.Arg439Gln; replaces arginine 439 with glutamine.
Molecular consequence: missense variant. On other transcripts: non-coding transcript variant (3).
Genome position (GRCh38, 1-based): chrX:65,523,692, C>T on the plus strand (G>A on the coding strand, the complement: LAS1L is on the minus strand). VCF-style: chrX-65523692-C-T. GRCh37 (hg19) VCF-style: chrX-64743572-C-T.
Other names: c.1265G>A, p.Arg422Gln (NM_001170649.2, NM_001375331.1, NM_001375333.1 and 4 more transcripts); c.1139G>A, p.Arg380Gln (NM_001170650.2); c.1316G>A, p.Arg439Gln (NM_001375328.1, NM_001375329.1, NM_001375330.1 and 3 more transcripts); c.359G>A, p.Arg120Gln (NM_001375332.1); short protein forms R120Q, R380Q, R422Q, R439Q.
Identifiers: ClinVar variation 4848028 (VCV004848028.1).

ClinVar aggregate classification (germline): Uncertain significance (1 of 4 stars; one submission).

gnomAD v4.1: 2 of 1,191,394 alleles (0.00017%); highest among the groups gnomAD compares: Non-Finnish European, 0.00011%; no homozygotes.

Submission:

Women's Health and Genetics/Laboratory Corporation of America, LabCorp
Classification: Uncertain significance. Last evaluated: 2026-02-04. Review status: criteria provided, single submitter. Criteria: LabCorp Variant Classification Summary - May 2015. Collection method: clinical testing. Allele origin: germline.
Comment: Variant summary: LAS1L c.1316G>A (p.Arg439Gln) results in a conservative amino acid change in the encoded protein sequence. Algorithms developed to predict the effect of missense changes on protein structure and function are either unavailable or do not agree on the potential impact of this missense change. The frequency data for this variant in gnomAD is considered unreliable, as metrics indicate poor data quality at this position. To our knowledge, no occurrence of c.1316G>A in individuals affected with LAS1L-related conditions and no experimental evidence demonstrating its impact on protein function have been reported. No submitters have cited clinical-significance assessments for this variant to ClinVar. Based on the evidence outlined above, the variant was classified as uncertain significance.